The following is an entry in ClinVar:

NM_000784.4(CYP27A1):c.1550T>C (p.Val517Ala)

Gene: CYP27A1 (cytochrome P450 family 27 subfamily A member 1; plus strand). Cytogenetic location: 2q35.
Variant type: single nucleotide variant.
Coding change: c.1550T>C on transcript NM_000784.4 (MANE Select); coding-DNA position 1550, T replaced by C.
Protein change: p.Val517Ala; replaces valine 517 with alanine.
Molecular consequence: missense variant.
Genome position (GRCh38, 1-based): chr2:218,814,984, T>C. VCF-style: chr2-218814984-T-C. GRCh37 (hg19) VCF-style: chr2-219679707-T-C.
Other names: short protein forms V517A.
Identifiers: ClinVar variation 2119584 (VCV002119584.4), dbSNP rs2470230665, ClinGen allele CA350596622.

ClinVar aggregate classification (germline): Uncertain significance (1 of 4 stars; one submission).

Conditions:
Cholestanol storage disease (CTX). Also called: CEREBRAL CHOLESTERINOSIS; CTX: Cerebrotendinous xanthomatosis; Cerebrotendinous Xanthomatosis. Identifiers: Orphanet 909, MedGen C0238052, MONDO:0008948, OMIM 213700.

Allele frequency attached by ClinVar (database versions not stated): gnomAD exomes below 0.00001.
gnomAD v4.1: 1 of 1,614,228 alleles (0.000062%); highest among the groups gnomAD compares: Non-Finnish European, 0.000085%; no homozygotes.

Submission:

Labcorp Genetics (formerly Invitae), Labcorp
Classification: Uncertain significance for Cholestanol storage disease. Last evaluated: 2022-03-29. Review status: criteria provided, single submitter. Criteria: Invitae Variant Classification Sherloc (09022015). Collection method: clinical testing. Allele origin: germline.
Comment: This sequence change replaces valine, which is neutral and non-polar, with alanine, which is neutral and non-polar, at codon 517 of the CYP27A1 protein (p.Val517Ala). This variant is not present in population databases (gnomAD no frequency). This variant has not been reported in the literature in individuals affected with CYP27A1-related conditions. Advanced modeling of protein sequence and biophysical properties (such as structural, functional, and spatial information, amino acid conservation, physicochemical variation, residue mobility, and thermodynamic stability) performed at Invitae indicates that this missense variant is not expected to disrupt CYP27A1 protein function. In summary, the available evidence is currently insufficient to determine the role of this variant in disease. Therefore, it has been classified as a Variant of Uncertain Significance.